The following is an entry in ClinVar:

ClinVar aggregate classification (germline): Uncertain significance (1 of 4 stars; one submission).

Submission:

GeneDx
Classification: Uncertain significance. Last evaluated: 2023-03-21. Review status: criteria provided, single submitter. Criteria: GeneDx Variant Classification Process June 2021. Collection method: clinical testing. Allele origin: germline. Affected: yes.
Comment: Not observed at significant frequency in large population cohorts (gnomAD); In silico analysis supports that this missense variant has a deleterious effect on protein structure/function; Has not been previously published as pathogenic or benign to our knowledge

NM_004415.4(DSP):c.7589T>A (p.Ile2530Asn)

Gene: DSP (desmoplakin; plus strand). Cytogenetic location: 6p24.3.
Variant type: single nucleotide variant.
Coding change: c.7589T>A on transcript NM_004415.4 (MANE Select); coding-DNA position 7589, T replaced by A.
Protein change: p.Ile2530Asn; replaces isoleucine 2530 with asparagine.
Molecular consequence: missense variant.
Genome position (GRCh38, 1-based): chr6:7,584,851, T>A. VCF-style: chr6-7584851-T-A. GRCh37 (hg19) VCF-style: chr6-7585084-T-A.
Other names: c.5792T>A, p.Ile1931Asn (NM_001008844.3); c.6260T>A, p.Ile2087Asn (NM_001319034.2); short protein forms I1931N, I2087N, I2530N.
Identifiers: ClinVar variation 2580588 (VCV002580588.1), dbSNP rs768564872, ClinGen allele CA133976217.
Genomic context (GRCh38, chr6:7,584,851, plus strand): 5'-GATCAGATGGCTCCACCAGGGTGGTCCTGGTAGATAGAAAGACAGGCAGTCAGTATGATA[T>A]TCAAGATGCTATTGACAAGGGCCTTGTTGACAGGAAGTTCTTTGATCAGTACCGATCCGG-3'
Protein context (NP_004406.2, residues 2520-2540): VDRKTGSQYD[Ile2530Asn]QDAIDKGLVD